The following is an entry in ClinVar:

ClinVar aggregate classification (germline): Likely benign. Review status: criteria provided, multiple submitters, no conflicts (2 of 4 stars). 3 submissions from 3 submitters: Likely benign (2). 1 of the submissions does not count toward it. Last evaluated 2025-01-01.

Conditions:
BCOR-related disorder. Also called: BCOR-related condition; BCOR-related disorders.

Allele frequency attached by ClinVar (database versions not stated): gnomAD 0.00003.
gnomAD v4.1: 72 of 1,211,047 alleles (0.0059%); highest among the groups gnomAD compares: Non-Finnish European, 0.0065%; no homozygotes.

Submissions (3):

CeGaT Center for Human Genetics Tuebingen
Classification: Likely benign. Last evaluated: 2025-01-01. Review status: criteria provided, single submitter. Criteria: CeGaT Center For Human Genetics Tuebingen Variant Classification Criteria Version 2. Collection method: clinical testing. Allele origin: germline. Affected: yes. Observed: 1 variant allele.
Comment: BCOR: BP4, BP7, BS2

Blueprint Genetics
Classification: Likely benign. Last evaluated: 2024-09-10. Review status: criteria provided, single submitter. Criteria: ACMG Guidelines, 2015. Collection method: clinical testing. Allele origin: germline.

PreventionGenetics, part of Exact Sciences
Classification: Likely benign for BCOR-related condition. Last evaluated: 2019-07-30. Review status: no assertion criteria provided. Collection method: clinical testing. Allele origin: germline. Not counted in ClinVar's aggregate classification.
Comment: This variant is classified as likely benign based on ACMG/AMP sequence variant interpretation guidelines (Richards et al. 2015 PMID: 25741868, with internal and published modifications).

NM_001123385.2(BCOR):c.3348C>T (p.Pro1116=)

Gene: BCOR (BCL6 corepressor; minus strand). Cytogenetic location: Xp11.4.
Variant type: single nucleotide variant.
Coding change: c.3348C>T on transcript NM_001123385.2 (MANE Select); coding-DNA position 3348, C replaced by T.
Protein change: p.Pro1116=; no amino-acid change (proline 1116 retained).
Molecular consequence: synonymous variant.
Genome position (GRCh38, 1-based): chrX:40,064,490, G>A on the plus strand (C>T on the coding strand, the complement: BCOR is on the minus strand). VCF-style: chrX-40064490-G-A. GRCh37 (hg19) VCF-style: chrX-39923743-G-A.
Other names: c.3348C>T, p.Pro1116= (NM_001123383.2, NM_017745.6); c.3294C>T, p.Pro1098= (NM_001123384.2).
Identifiers: ClinVar variation 3035593 (VCV003035593.16), dbSNP rs756729524, ClinGen allele CA10386653.
Genomic context (GRCh38, chrX:40,064,490, plus strand): 5'-GCGTTTCCTGTCCACCCGGAGGGTGGGGCTGTGAGGCATGTCCGAGGCCACCTGGTCTGC[G>A]GGAGGCTCGCTCACAGGCTGCCTCTCCACAAAGTACTTCTCCACAGGAAGATCTTTGTCC-3'
Protein context (NP_001116857.1, residues 1106-1126): FVERQPVSEP[Pro1116=]ADQVASDMPH